The following is an entry in ClinVar:

ClinVar aggregate classification (germline): Uncertain significance. Review status: criteria provided, multiple submitters, no conflicts (2 of 4 stars). 2 submissions from 2 submitters: Uncertain significance (2). Last evaluated 2025-07-13.

Conditions:
Inborn genetic diseases. Identifiers: MedGen C0950123, MeSH D030342.

gnomAD v4.1: 19 of 1,613,716 alleles (0.0012%); highest among the groups gnomAD compares: South Asian, 0.0022%; no homozygotes.

Submissions (2):

Ambry Genetics
Classification: Uncertain significance for Inborn genetic diseases. Last evaluated: 2025-07-13. Review status: criteria provided, single submitter. Criteria: Ambry Variant Classification Scheme 2023. Collection method: clinical testing. Allele origin: germline.

Labcorp Genetics (formerly Invitae), Labcorp
Classification: Uncertain significance. Last evaluated: 2025-01-15. Review status: criteria provided, single submitter. Criteria: Invitae Variant Classification Sherloc (09022015). Collection method: clinical testing. Allele origin: germline.
Comment: This sequence change replaces histidine, which is basic and polar, with glutamine, which is neutral and polar, at codon 1690 of the MPDZ protein (p.His1690Gln). This variant is present in population databases (rs755555107, gnomAD 0.003%). This variant has not been reported in the literature in individuals affected with MPDZ-related conditions. An algorithm developed to predict the effect of missense changes on protein structure and function (PolyPhen-2) suggests that this variant is likely to be disruptive. In summary, the available evidence is currently insufficient to determine the role of this variant in disease. Therefore, it has been classified as a Variant of Uncertain Significance.

NM_001378778.1(MPDZ):c.5070T>A (p.His1690Gln)

Gene: MPDZ (multiple PDZ domain crumbs cell polarity complex component; minus strand). Cytogenetic location: 9p23.
Variant type: single nucleotide variant.
Coding change: c.5070T>A on transcript NM_001378778.1 (MANE Select); coding-DNA position 5070, T replaced by A.
Protein change: p.His1690Gln; replaces histidine 1690 with glutamine.
Molecular consequence: missense variant.
Genome position (GRCh38, 1-based): chr9:13,121,900, A>T on the plus strand (T>A on the coding strand, the complement: MPDZ is on the minus strand). VCF-style: chr9-13121900-A-T. GRCh37 (hg19) VCF-style: chr9-13121899-A-T.
Other names: c.5070T>A (NM_003829.3); c.4860T>A, p.His1620Gln (NM_001375421.1, NM_001375422.1, NM_001375423.1 and 4 more transcripts); c.4662T>A, p.His1554Gln (NM_001375427.1); c.5070T>A, p.His1690Gln (NM_003829.5, NM_001330637.2); c.4971T>A, p.His1657Gln (NM_001261406.2, NM_001261407.2, NM_001375416.1 and 3 more transcripts); c.5169T>A, p.His1723Gln (NM_001375413.1); short protein forms H1554Q, H1723Q, H1690Q, H1620Q, H1657Q.
Identifiers: ClinVar variation 3676475 (VCV003676475.3).
Genomic context (GRCh38, chr9:13,121,900, plus strand): 5'-TCTGTAGAGTGTCAGGCGCACTCTCTGTGGCGTCTGTCTCAGGACATTGATTGCTTCATC[A>T]TGTGTGGCCTTTCTCAAGTCAATTCCATTCACCTGTACAGAAATGGGACACTGACTGTAA-3'
Protein context (NP_001365707.1, residues 1680-1700): VNGIDLRKAT[His1690Gln]DEAINVLRQT